The following is an entry in ClinVar:

ClinVar aggregate classification (germline): Benign (0 of 4 stars; one submission).

Conditions:
SFTPD-related disorder. Also called: SFTPD-related condition.

Allele frequency attached by ClinVar (database versions not stated): TOPMed 0.00011; gnomAD 0.00040; gnomAD exomes 0.00079; ExAC 0.00178; 1000 Genomes Project 30x 0.00328; 1000 Genomes Project 0.00359.
gnomAD v4.1: 1,201 of 1,610,670 alleles (0.075%); highest among the groups gnomAD compares: South Asian, 1.3%; 20 homozygotes.

Submission:

PreventionGenetics, part of Exact Sciences
Classification: Benign for SFTPD-related condition. Last evaluated: 2019-12-19. Review status: no assertion criteria provided. Collection method: clinical testing. Allele origin: germline.
Comment: This variant is classified as benign based on ACMG/AMP sequence variant interpretation guidelines (Richards et al. 2015 PMID: 25741868, with internal and published modifications).

NM_003019.5(SFTPD):c.825G>A (p.Thr275=)

Gene: SFTPD (surfactant protein D; minus strand). Cytogenetic location: 10q22.3.
Variant type: single nucleotide variant.
Coding change: c.825G>A on transcript NM_003019.5 (MANE Select); coding-DNA position 825, G replaced by A.
Protein change: p.Thr275=; no amino-acid change (threonine 275 retained).
Molecular consequence: synonymous variant.
Genome position (GRCh38, 1-based): chr10:79,938,155, C>T on the plus strand (G>A on the coding strand, the complement: SFTPD is on the minus strand). VCF-style: chr10-79938155-C-T. GRCh37 (hg19) VCF-style: chr10-81697911-C-T.
Identifiers: ClinVar variation 3049291 (VCV003049291.2), dbSNP rs200300388, ClinGen allele CA5575036.